The following is an entry in ClinVar:

NM_000322.5(PRPH2):c.622G>T (p.Gly208Cys)

Gene: PRPH2 (peripherin 2; minus strand). Cytogenetic location: 6p21.1.
Variant type: single nucleotide variant.
Coding change: c.622G>T on transcript NM_000322.5 (MANE Select); coding-DNA position 622, G replaced by T.
Protein change: p.Gly208Cys; replaces glycine 208 with cysteine.
Molecular consequence: missense variant.
Genome position (GRCh38, 1-based): chr6:42,704,571, C>A on the plus strand (G>T on the coding strand, the complement: PRPH2 is on the minus strand). VCF-style: chr6-42704571-C-A. GRCh37 (hg19) VCF-style: chr6-42672309-C-A.
Other names: short protein forms G208C.
Identifiers: ClinVar variation 1047802 (VCV001047802.8), dbSNP rs901479607, ClinGen allele CA364135667.
Genomic context (GRCh38, chr6:42,704,571, plus strand): 5'-TGATCTGATACTGGATGCAGGGCCGTGGCGAGCTAGGATTGCAGCAGCTGAAAGGGACGC[C>A]GTCCACCAGGTACCGCCCATCCACGTTGCTCTTGATTCGACTTAAAGGGAAACAGACAGC-3'
Protein context (NP_000313.2, residues 198-218): SNVDGRYLVD[Gly208Cys]VPFSCCNPSS

ClinVar aggregate classification (germline): Likely pathogenic (1 of 4 stars; one submission).

Conditions:
PRPH2-related disorder. Also called: PRPH2-related disorders; PRPH2-related condition. Identifiers: MedGen CN239395.

Submission:

Labcorp Genetics (formerly Invitae), Labcorp
Classification: Likely pathogenic for PRPH2-related disorder. Last evaluated: 2022-11-29. Review status: criteria provided, single submitter. Criteria: Invitae Variant Classification Sherloc (09022015). Collection method: clinical testing. Allele origin: germline.
Comment: In summary, the currently available evidence indicates that the variant is pathogenic, but additional data are needed to prove that conclusively. Therefore, this variant has been classified as Likely Pathogenic. This variant disrupts the p.Gly208 amino acid residue in PRPH2. Other variant(s) that disrupt this residue have been determined to be pathogenic (PMID: 9279751, 12042139, 25447119, 29555955). This suggests that this residue is clinically significant, and that variants that disrupt this residue are likely to be disease-causing. Advanced modeling of protein sequence and biophysical properties (such as structural, functional, and spatial information, amino acid conservation, physicochemical variation, residue mobility, and thermodynamic stability) performed at Invitae indicates that this missense variant is expected to disrupt PRPH2 protein function. ClinVar contains an entry for this variant (Variation ID: 1047802). This variant has not been reported in the literature in individuals affected with PRPH2-related conditions. This variant is not present in population databases (gnomAD no frequency). This sequence change replaces glycine, which is neutral and non-polar, with cysteine, which is neutral and slightly polar, at codon 208 of the PRPH2 protein (p.Gly208Cys).

Literature cited by the submitters: PubMed 9279751; PubMed 12042139; PubMed 25447119; PubMed 29555955.